The following is an entry in ClinVar:

NM_000238.4(KCNH2):c.2238C>G (p.Ala746=)

Gene: KCNH2 (potassium voltage-gated channel subfamily H member 2; minus strand). Cytogenetic location: 7q36.1.
Variant type: single nucleotide variant.
Coding change: c.2238C>G on transcript NM_000238.4 (MANE Select); coding-DNA position 2238, C replaced by G.
Protein change: p.Ala746=; no amino-acid change (alanine 746 retained).
Molecular consequence: synonymous variant. On other transcripts: non-coding transcript variant (2).
Genome position (GRCh38, 1-based): chr7:150,950,328, G>C on the plus strand (C>G on the coding strand, the complement: KCNH2 is on the minus strand). VCF-style: chr7-150950328-G-C. GRCh37 (hg19) VCF-style: chr7-150647416-G-C.
Other names: c.1218C>G, p.Ala406= (NM_001204798.2, NM_172057.3); c.1950C>G, p.Ala650= (NM_001406753.1, NM_001406756.1); c.2061C>G, p.Ala687= (NM_001406755.1); c.1938C>G, p.Ala646= (NM_001406757.1); c.2238C>G, p.Ala746= (NM_172056.3).
Identifiers: ClinVar variation 527080 (VCV000527080.20), dbSNP rs765110115, ClinGen allele CA031439.

ClinVar aggregate classification (germline): Conflicting classifications of pathogenicity. Review status: criteria provided, conflicting classifications (1 of 4 stars). 5 submissions from 5 submitters: Uncertain significance (1); Likely benign (4). Last evaluated 2025-12-21.

Conditions:
Long QT syndrome 2 (LQT2). Identifiers: Orphanet 101016, Orphanet 768, MedGen C3150943, MONDO:0013367, OMIM 613688.
Cardiovascular phenotype. Identifiers: MedGen CN230736.
Cardiac arrhythmia. Also called: Cardiac rhythm disease; Arrhythmia. Identifiers: MedGen C0003811, MONDO:0007263, HP:0011675.
Long QT syndrome (LQTS). Identifiers: MedGen C0023976, MeSH D008133, MONDO:0002442. Disease mechanism: loss of function. Inheritance: Various modes of inheritance.

Allele frequency attached by ClinVar (database versions not stated): gnomAD 0.00002; TOPMed 0.00002; gnomAD exomes 0.00003 and 0.00004; ExAC 0.00008.
gnomAD v4.1: 50 of 1,613,460 alleles (0.0031%); highest among the groups gnomAD compares: Non-Finnish European, 0.0039%; no homozygotes.

Submissions (5):

Labcorp Genetics (formerly Invitae), Labcorp
Classification: Likely benign for Long QT syndrome. Last evaluated: 2025-12-21. Review status: criteria provided, single submitter. Criteria: Invitae Variant Classification Sherloc (09022015). Collection method: clinical testing. Allele origin: germline.

All of Us Research Program, National Institutes of Health
Classification: Likely benign for Long QT syndrome. Last evaluated: 2023-12-13. Review status: criteria provided, single submitter. Criteria: ACMG Guidelines, 2015. Collection method: clinical testing. Allele origin: germline. Inheritance: Autosomal dominant inheritance. Observed: 4 variant alleles, 4 heterozygotes.
Comment: This study involves interpretation of variants in research participants for the purpose of population health screening. Participant phenotype was not available at the time of variant classification. Additional details can be found in publication PMID: 35346344, PMCID: PMC8962531

Ambry Genetics
Classification: Likely benign for Cardiovascular phenotype. Last evaluated: 2021-01-16. Review status: criteria provided, single submitter. Criteria: Ambry Variant Classification Scheme 2023. Collection method: clinical testing. Allele origin: germline.

Color Diagnostics, LLC DBA Color Health
Classification: Likely benign for Cardiac arrhythmia. Last evaluated: 2021-01-11. Review status: criteria provided, single submitter. Criteria: ACMG Guidelines, 2015. Collection method: clinical testing. Allele origin: germline.

Illumina Laboratory Services, Illumina
Classification: Uncertain significance for Long QT syndrome 2. Last evaluated: 2017-04-28. Review status: criteria provided, single submitter. Criteria: ICSL Variant Classification Criteria 13 December 2019. Collection method: clinical testing. Allele origin: germline.